The following is an entry in ClinVar:

ClinVar aggregate classification (germline): Uncertain significance (1 of 4 stars; one submission).

Allele frequency attached by ClinVar (database versions not stated): TOPMed below 0.00001.
gnomAD v4.1: 1 of 1,613,966 alleles (0.000062%); no homozygotes.

Submission:

Ambry Genetics
Classification: Uncertain significance. Last evaluated: 2021-12-14. Review status: criteria provided, single submitter. Criteria: Ambry Variant Classification Scheme 2023. Collection method: clinical testing. Allele origin: germline.
Comment: The p.E240K variant (also known as c.718G>A), located in coding exon 5 of the IDH1 gene, results from a G to A substitution at nucleotide position 718. The glutamic acid at codon 240 is replaced by lysine, an amino acid with similar properties. This amino acid position is conserved. In addition, this alteration is predicted to be tolerated by in silico analysis. Since supporting evidence is limited at this time, the clinical significance of this alteration remains unclear.

NM_005896.4(IDH1):c.718G>A (p.Glu240Lys)

Gene: IDH1 (isocitrate dehydrogenase (NADP(+)) 1; minus strand). Cytogenetic location: 2q34.
Variant type: single nucleotide variant.
Coding change: c.718G>A on transcript NM_005896.4 (MANE Select); coding-DNA position 718, G replaced by A.
Protein change: p.Glu240Lys; replaces glutamic acid 240 with lysine.
Molecular consequence: missense variant.
Genome position (GRCh38, 1-based): chr2:208,242,126, C>T on the plus strand (G>A on the coding strand, the complement: IDH1 is on the minus strand). VCF-style: chr2-208242126-C-T. GRCh37 (hg19) VCF-style: chr2-209106850-C-T.
Other names: c.718G>A, p.Glu240Lys (NM_001282386.1, NM_001282387.1); short protein forms E240K.
Identifiers: ClinVar variation 1757585 (VCV001757585.2), dbSNP rs1175568871, ClinGen allele CA350098012.